The following is an entry in ClinVar:

NM_004168.4(SDHA):c.1039A>G (p.Met347Val)

Gene: SDHA (succinate dehydrogenase complex flavoprotein subunit A; plus strand). Cytogenetic location: 5p15.33.
Variant type: single nucleotide variant.
Coding change: c.1039A>G on transcript NM_004168.4 (MANE Select); coding-DNA position 1039, A replaced by G.
Protein change: p.Met347Val; replaces methionine 347 with valine.
Molecular consequence: missense variant.
Genome position (GRCh38, 1-based): chr5:233,620, A>G. VCF-style: chr5-233620-A-G. GRCh37 (hg19) VCF-style: chr5-233735-A-G.
Other names: c.895A>G, p.Met299Val (NM_001294332.2); c.1039A>G, p.Met347Val (NM_001330758.2); short protein forms M299V, M347V.
Identifiers: ClinVar variation 1051024 (VCV001051024.11), dbSNP rs1245387180, ClinGen allele CA359012944.

ClinVar aggregate classification (germline): Uncertain significance. Review status: criteria provided, multiple submitters, no conflicts (2 of 4 stars). 2 submissions from 2 submitters: Uncertain significance (2). Last evaluated 2025-06-25.

Conditions:
Hereditary cancer-predisposing syndrome. Also called: Tumor predisposition; Hereditary neoplastic syndrome; Neoplastic Syndromes, Hereditary; Hereditary Cancer Syndrome. Identifiers: Orphanet 140162, MedGen C0027672, MeSH D009386, MONDO:0015356.
Mitochondrial complex II deficiency, nuclear type 1. Also called: SUCCINATE CoQ REDUCTASE DEFICIENCY. Identifiers: Orphanet 3208, MedGen C5700310, MONDO:0100294, OMIM 252011.
Pheochromocytoma/paraganglioma syndrome 5. Also called: Paragangliomas 5; SDHA-Related Hereditary Paraganglioma-Pheochromocytoma Syndrome. Identifiers: Orphanet 29072, MedGen C3279992, MONDO:0013602, OMIM 614165.

Allele frequency attached by ClinVar (database versions not stated): gnomAD exomes below 0.00001.
gnomAD v4.1: 2 of 1,614,050 alleles (0.00012%); highest among the groups gnomAD compares: Non-Finnish European, 0.000085%; no homozygotes.

Submissions (2):

Labcorp Genetics (formerly Invitae), Labcorp
Classification: Uncertain significance for Pheochromocytoma/paraganglioma syndrome 5; Mitochondrial complex II deficiency, nuclear type 1. Last evaluated: 2025-06-25. Review status: criteria provided, single submitter. Criteria: Invitae Variant Classification Sherloc (09022015). Collection method: clinical testing. Allele origin: germline.
Comment: This sequence change replaces methionine, which is neutral and non-polar, with valine, which is neutral and non-polar, at codon 347 of the SDHA protein (p.Met347Val). This variant is present in population databases (no rsID available, gnomAD 0.01%). This variant has not been reported in the literature in individuals affected with SDHA-related conditions. ClinVar contains an entry for this variant (Variation ID: 1051024). Invitae Evidence Modeling of protein sequence and biophysical properties (such as structural, functional, and spatial information, amino acid conservation, physicochemical variation, residue mobility, and thermodynamic stability) indicates that this missense variant is not expected to disrupt SDHA protein function with a negative predictive value of 95%. In summary, the available evidence is currently insufficient to determine the role of this variant in disease. Therefore, it has been classified as a Variant of Uncertain Significance.

Ambry Genetics
Classification: Uncertain significance for Hereditary cancer-predisposing syndrome. Last evaluated: 2020-01-06. Review status: criteria provided, single submitter. Criteria: Ambry Variant Classification Scheme 2023. Collection method: clinical testing. Allele origin: germline.
Comment: The p.M347V variant (also known as c.1039A>G), located in coding exon 8 of the SDHA gene, results from an A to G substitution at nucleotide position 1039. The methionine at codon 347 is replaced by valine, an amino acid with highly similar properties. This amino acid position is highly conserved in available vertebrate species. In addition, this alteration is predicted to be deleterious by in silico analysis. Since supporting evidence is limited at this time, the clinical significance of this alteration remains unclear.